The following is an entry in ClinVar:

NM_000179.3(MSH6):c.2226C>G (p.Asn742Lys)

Gene: MSH6 (mutS homolog 6; plus strand). Cytogenetic location: 2p16.3.
Variant type: single nucleotide variant.
Coding change: c.2226C>G on transcript NM_000179.3 (MANE Select); coding-DNA position 2226, C replaced by G.
Protein change: p.Asn742Lys; replaces asparagine 742 with lysine.
Molecular consequence: missense variant.
Genome position (GRCh38, 1-based): chr2:47,800,209, C>G. VCF-style: chr2-47800209-C-G. GRCh37 (hg19) VCF-style: chr2-48027348-C-G.
Other names: c.1836C>G, p.Asn612Lys (NM_001281492.2); c.1320C>G, p.Asn440Lys (NM_001281493.2, NM_001281494.2); short protein forms N742K, N612K, N440K.
Identifiers: ClinVar variation 141430 (VCV000141430.22), dbSNP rs587781739, ClinGen allele CA009877.

ClinVar aggregate classification (germline): Conflicting classifications of pathogenicity. Review status: criteria provided, conflicting classifications (1 of 4 stars). 7 submissions from 7 submitters: Uncertain significance (6); Likely benign (1). Last evaluated 2026-01-06.

Conditions:
Endometrial carcinoma. Also called: Endometrial carcinoma, somatic. Identifiers: MedGen C0476089, MONDO:0002447, OMIM 608089, HP:0012114.
Mismatch repair cancer syndrome 3. Identifiers: MedGen C5436807, MONDO:0030841, OMIM 619097.
Lynch syndrome 5 (LYNCH5). Also called: Colorectal cancer, hereditary nonpolyposis, type 5; Hereditary non-polyposis colorectal cancer, type 5. Identifiers: Orphanet 144, MedGen C1833477, MONDO:0013710, OMIM 614350. Disease mechanism: loss of function.
Hereditary nonpolyposis colorectal neoplasms. Identifiers: MedGen C0009405, MeSH D003123.
Hereditary cancer-predisposing syndrome. Also called: Neoplastic Syndromes, Hereditary; Tumor predisposition; Hereditary Cancer Syndrome; Hereditary neoplastic syndrome. Identifiers: Orphanet 140162, MedGen C0027672, MeSH D009386, MONDO:0015356.
Hereditary breast ovarian cancer syndrome. Also called: Breast and ovarian cancer; Hereditary breast and ovarian cancer; Hereditary breast and/or ovarian cancer syndrome; BRCA1- and BRCA2-Associated Hereditary Breast and Ovarian Cancer; Hereditary breast and ovarian cancer syndrome; Hereditary breast and ovarian cancer syndrome (HBOC). Identifiers: Orphanet 145, MedGen C0677776, MeSH D061325, MONDO:0003582. Disease mechanism: loss of function.

Allele frequency attached by ClinVar (database versions not stated): ExAC 0.00001.
gnomAD v4.1: 10 of 1,614,170 alleles (0.00062%); highest among the groups gnomAD compares: East Asian, 0.02%; no homozygotes.

Submissions (7):

Labcorp Genetics (formerly Invitae), Labcorp
Classification: Likely benign for Hereditary nonpolyposis colorectal neoplasms. Last evaluated: 2026-01-06. Review status: criteria provided, single submitter. Criteria: Invitae Variant Classification Sherloc (09022015). Collection method: clinical testing. Allele origin: germline.

Women's Health and Genetics/Laboratory Corporation of America, LabCorp
Classification: Uncertain significance. Last evaluated: 2025-12-26. Review status: criteria provided, single submitter. Criteria: LabCorp Variant Classification Summary - May 2015. Collection method: clinical testing. Allele origin: germline.
Comment: Variant summary: MSH6 c.2226C>G (p.Asn742Lys) results in a non-conservative amino acid change located in the core domain (IPR007696) of the encoded protein sequence. Algorithms developed to predict the effect of missense changes on protein structure and function all suggest that this variant is likely to be disruptive. The variant allele was found at a frequency of 4e-06 in 250894 control chromosomes, predominantly at a frequency of 5.4e-05 within the East Asian subpopulation in the gnomAD database. The available data on variant occurrences in the general population are insufficient to allow any conclusion about variant significance. c.2226C>G, has been reported in the literature in individuals affected with various cancers, including biliary tract- and breast cancer (e.g. Kiyozumi_2019, Okawa_2023, Dorling_2021), however it was also found in several controls greater than 60-years-old, who did not have a personal or family history of cancer (Okawa_2023). To our knowledge, no experimental evidence demonstrating an impact on protein function has been reported. The following publications have been ascertained in the context of this evaluation (PMID: 31386297, 36243179, 33471991). ClinVar contains an entry for this variant (Variation ID: 141430). Based on the evidence outlined above, the variant was classified as uncertain significance.

Color Diagnostics, LLC DBA Color Health
Classification: Uncertain significance for Hereditary cancer-predisposing syndrome. Last evaluated: 2025-03-31. Review status: criteria provided, single submitter. Criteria: ACMG Guidelines, 2015. Collection method: clinical testing. Allele origin: germline.
Comment: This missense variant replaces asparagine with lysine at codon 742 of the MSH6 protein. Computational prediction suggests that this variant may have deleterious impact on protein structure and function. To our knowledge, functional studies have not been reported for this variant. This variant has been reported in individuals affected with unspecified cancers in the literature (PMID: 31386297). In a pancreatic cancer case-control study, this variant was observed in both affected cases and unaffected controls (p value= 0.140; PMID: 32980694). This variant has been identified in 1/250894 chromosomes in the general population by the Genome Aggregation Database (gnomAD). The available evidence is insufficient to determine the role of this variant in disease conclusively. Therefore, this variant is classified as a Variant of Uncertain Significance.

Fulgent Genetics
Classification: Uncertain significance for Endometrial carcinoma; Lynch syndrome 5; Mismatch repair cancer syndrome 3. Last evaluated: 2024-05-15. Review status: criteria provided, single submitter. Criteria: ACMG Guidelines, 2015. Collection method: clinical testing. Allele origin: germline.

Ambry Genetics
Classification: Uncertain significance for Hereditary cancer-predisposing syndrome. Last evaluated: 2024-05-09. Review status: criteria provided, single submitter. Criteria: Ambry Variant Classification Scheme 2023. Collection method: clinical testing. Allele origin: germline.
Comment: The p.N742K variant (also known as c.2226C>G), located in coding exon 4 of the MSH6 gene, results from a C to G substitution at nucleotide position 2226. The asparagine at codon 742 is replaced by lysine, an amino acid with similar properties. This variant was observed in an individual with early onset-breast cancer amongst a cohort of 1781 non-Ashkenazi Jewish individuals undergoing BRCA1/2 gene testing based on a personal history of breast cancer (Tung N et al. Cancer, 2015 Jan;121:25-33). This amino acid position is highly conserved in available vertebrate species. In addition, the in silico prediction for this alteration is inconclusive. Based on the available evidence, the clinical significance of this variant remains unclear.

GeneDx
Classification: Uncertain significance. Last evaluated: 2022-10-21. Review status: criteria provided, single submitter. Criteria: GeneDx Variant Classification Process June 2021. Collection method: clinical testing. Allele origin: germline. Affected: yes.
Comment: Not observed at significant frequency in large population cohorts (gnomAD); In silico analysis supports that this missense variant has a deleterious effect on protein structure/function; Observed in individuals with cancer, not otherwise specified, who had germline genetic testing that included analysis of Lynch syndrome-associated genes (Kiyozumi et al., 2019); This variant is associated with the following publications: (PMID: 17531815, 21120944, 31386297)

Cancer Genomics Group, Japanese Foundation For Cancer Research
Classification: Uncertain significance for Hereditary breast and ovarian cancer syndrome. Last evaluated: 2019-05-01. Review status: criteria provided, single submitter. Criteria: ACMG Guidelines, 2015. Collection method: research. Allele origin: germline. Affected: yes.

Literature cited by the submitters: PubMed 31386297 (cited by Women's Health and Genetics/Laboratory Corporation of America, LabCorp and Color Diagnostics, LLC DBA Color Health); PubMed 33471991 (cited by Women's Health and Genetics/Laboratory Corporation of America, LabCorp); PubMed 36243179 (cited by Women's Health and Genetics/Laboratory Corporation of America, LabCorp); PubMed 25186627 (cited by Ambry Genetics).